The following is an entry in ClinVar:

NM_014244.5(ADAMTS2):c.102_126dup (p.Ala43fs)

Gene: ADAMTS2 (ADAM metallopeptidase with thrombospondin type 1 motif 2; minus strand). Cytogenetic location: 5q35.3.
Variant type: Duplication.
Coding change: c.102_126dup on transcript NM_014244.5 (MANE Select); coding-DNA positions 102 to 126, 25 bases duplicated (CGCGAACGCCAGGCTCGCCGCCGCC).
Protein change: p.Ala43fs; shifts the reading frame from alanine 43.
Molecular consequence: frameshift variant.
Genome position (GRCh38, 1-based): chr5:179,345,203-179,345,227, GGCGGCGGCGAGCCTGGCGTTCGCG duplicated on the plus strand (CGCGAACGCCAGGCTCGCCGCCGCC on the coding strand, the reverse complement: ADAMTS2 is on the minus strand); duplicating any 25 consecutive bases within chr5:179,345,203-179,345,237 gives the same sequence; the c. name uses the placement nearest the transcript's 3' end. VCF-style (leftmost placement, unchanged base first): chr5-179345202-C-CGGCGGCGGCGAGCCTGGCGTTCGCG. GRCh37 (hg19) VCF-style: chr5-178772203-C-CGGCGGCGGCGAGCCTGGCGTTCGCG.
Other names: c.102_126dup, p.Ala43fs (NM_021599.4); short protein forms A43fs.
Identifiers: ClinVar variation 1804796 (VCV001804796.1), dbSNP rs2532193077, ClinGen allele CA2580074172.
Genomic context (GRCh38, chr5:179,345,202, plus strand): 5'-GGCCAGGCCGGCGGGGGTCCCGGGGAGTAGGGGCCGGGCCGCACCTACCTGGGGGGTCGG[C>CGGCGGCGGCGAGCCTGGCGTTCGCG]GGCGGCGGCGAGCCTGGCGTTCGCGGGCGGCGGCGGCGGCGGCAGGAGCGGCGGCGGCAG-3'

ClinVar aggregate classification (germline): Likely pathogenic (1 of 4 stars; one submission).

Conditions:
Ehlers-Danlos syndrome, dermatosparaxis type. Also called: EDS VIIC; Dermatosparaxis; Ehlers-Danlos syndrome, type VII, autosomal recessive. Identifiers: Orphanet 1901, MedGen C2700425, MONDO:0009161, OMIM 225410.

Submission:

Women's Health and Genetics/Laboratory Corporation of America, LabCorp
Classification: Likely pathogenic for Ehlers-Danlos syndrome, dermatosparaxis type. Last evaluated: 2022-11-16. Review status: criteria provided, single submitter. Criteria: LabCorp Variant Classification Summary - May 2015. Collection method: clinical testing. Allele origin: germline.
Comment: Variant summary: ADAMTS2 c.102_126dup25 (p.Ala43ArgfsX31) results in a premature termination codon, predicted to cause a truncation of the encoded protein or absence of the protein due to nonsense mediated decay, which are commonly known mechanisms for disease. Truncations downstream of this position have been classified as pathogenic by our laboratory and associated with Ehlers-Danlos Syndrome in HGMD. The variant was absent in 406 control chromosomes. To our knowledge, no occurrence of c.102_126dup25 in individuals affected with Ehlers-Danlos Syndrome, Type VIIC (Dermatosparaxis) and no experimental evidence demonstrating its impact on protein function have been reported. No clinical diagnostic laboratories have submitted clinical-significance assessments for this variant to ClinVar after 2014. Based on the evidence outlined above, the variant was classified as likely pathogenic.